The following is an entry in ClinVar:

NM_004260.4(RECQL4):c.1174G>A (p.Gly392Ser)

Gene: RECQL4 (RecQ like helicase 4; minus strand). Cytogenetic location: 8q24.3.
Variant type: single nucleotide variant.
Coding change: c.1174G>A on transcript NM_004260.4 (MANE Select); coding-DNA position 1174, G replaced by A.
Protein change: p.Gly392Ser; replaces glycine 392 with serine.
Molecular consequence: missense variant. On other transcripts: non-coding transcript variant (3), intron variant (1).
Genome position (GRCh38, 1-based): chr8:144,515,848, C>T on the plus strand (G>A on the coding strand, the complement: RECQL4 is on the minus strand). VCF-style: chr8-144515848-C-T. GRCh37 (hg19) VCF-style: chr8-145741232-C-T.
Other names: c.1078G>A, p.Gly360Ser (NM_001413017.1, NM_001413020.1); c.1174G>A, p.Gly392Ser (NM_001413018.1, NM_001413019.1, NM_001413033.1 and 2 more transcripts); c.103G>A, p.Gly35Ser (NM_001413021.1, NM_001413022.1, NM_001413023.1 and 8 more transcripts); c.1045G>A, p.Gly349Ser (NM_001413025.1); c.41G>A, p.Gly14Glu (NM_001413027.1, NM_001413030.1, NM_001413031.1 and 2 more transcripts); c.823G>A, p.Gly275Ser (NM_001413029.1); c.-210+140G>A (NM_001413043.1); short protein forms G14E, G275S, G349S, G35S, G360S, G392S.
Identifiers: ClinVar variation 4863173 (VCV004863173.1).

ClinVar aggregate classification (germline): Uncertain significance (1 of 4 stars; one submission).

Conditions:
Inborn genetic diseases. Identifiers: MedGen C0950123, MeSH D030342.

Submission:

Ambry Genetics
Classification: Uncertain significance for Inborn genetic diseases. Last evaluated: 2026-04-23. Review status: criteria provided, single submitter. Criteria: Ambry Variant Classification Scheme 2023. Collection method: clinical testing. Allele origin: germline.
Comment: The p.G392S variant (also known as c.1174G>A), located in coding exon 6 of the RECQL4 gene, results from a G to A substitution at nucleotide position 1174. The glycine at codon 392 is replaced by serine, an amino acid with similar properties. This amino acid position is conserved. In addition, this alteration is predicted to be tolerated by in silico analysis. Based on the available evidence, the clinical significance of this variant remains unclear.